The following is an entry in ClinVar:

ClinVar aggregate classification (germline): Uncertain significance. Review status: criteria provided, multiple submitters, no conflicts (2 of 4 stars). 2 submissions from 2 submitters: Uncertain significance (2). Last evaluated 2025-01-18.

Conditions:
Emery-Dreifuss muscular dystrophy 5, autosomal dominant (EDMD5). Also called: EMERY-DREIFUSS MUSCULAR DYSTROPHY 5. Identifiers: Orphanet 261, MedGen C2751805, MONDO:0013072, OMIM 612999.

Allele frequency attached by ClinVar (database versions not stated): gnomAD exomes below 0.00001; ExAC 0.00001; gnomAD 0.00004; TOPMed 0.00007.
gnomAD v4.1: 10 of 1,600,010 alleles (0.00062%); highest among the groups gnomAD compares: African/African-American, 0.011%; no homozygotes.

Submissions (2):

Ambry Genetics
Classification: Uncertain significance. Last evaluated: 2025-01-18. Review status: criteria provided, single submitter. Criteria: Ambry Variant Classification Scheme 2023. Collection method: clinical testing. Allele origin: germline.

Labcorp Genetics (formerly Invitae), Labcorp
Classification: Uncertain significance for Emery-Dreifuss muscular dystrophy 5, autosomal dominant. Last evaluated: 2024-01-29. Review status: criteria provided, single submitter. Criteria: Invitae Variant Classification Sherloc (09022015). Collection method: clinical testing. Allele origin: germline.
Comment: This sequence change replaces isoleucine, which is neutral and non-polar, with asparagine, which is neutral and polar, at codon 953 of the SYNE2 protein (p.Ile953Asn). This variant is present in population databases (rs756623151, gnomAD 0.008%). This variant has not been reported in the literature in individuals affected with SYNE2-related conditions. ClinVar contains an entry for this variant (Variation ID: 1414881). An algorithm developed to predict the effect of missense changes on protein structure and function (PolyPhen-2) suggests that this variant is likely to be disruptive. In summary, the available evidence is currently insufficient to determine the role of this variant in disease. Therefore, it has been classified as a Variant of Uncertain Significance.

NM_182914.3(SYNE2):c.2858T>A (p.Ile953Asn)

Gene: SYNE2 (spectrin repeat containing nuclear envelope protein 2; plus strand). Cytogenetic location: 14q23.2.
Variant type: single nucleotide variant.
Coding change: c.2858T>A on transcript NM_182914.3 (MANE Select); coding-DNA position 2858, T replaced by A.
Protein change: p.Ile953Asn; replaces isoleucine 953 with asparagine.
Molecular consequence: missense variant.
Genome position (GRCh38, 1-based): chr14:63,995,120, T>A. VCF-style: chr14-63995120-T-A. GRCh37 (hg19) VCF-style: chr14-64461838-T-A.
Other names: c.2858T>A (NM_182914.2); c.2858T>A, p.Ile953Asn (NM_015180.6); short protein forms I953N.
Identifiers: ClinVar variation 1414881 (VCV001414881.7), dbSNP rs756623151, ClinGen allele CA7219813.